The following is an entry in ClinVar:

NM_000512.5(GALNS):c.1215G>A (p.Trp405Ter)

Gene: GALNS (galactosamine (N-acetyl)-6-sulfatase; minus strand). Cytogenetic location: 16q24.3.
Variant type: single nucleotide variant.
Coding change: c.1215G>A on transcript NM_000512.5 (MANE Select); coding-DNA position 1215, G replaced by A.
Protein change: p.Trp405Ter; replaces tryptophan 405 with a stop codon.
Molecular consequence: nonsense.
Genome position (GRCh38, 1-based): chr16:88,824,794, C>T on the plus strand (G>A on the coding strand, the complement: GALNS is on the minus strand). VCF-style: chr16-88824794-C-T. GRCh37 (hg19) VCF-style: chr16-88891202-C-T.
Other names: c.660G>A, p.Trp220Ter (NM_001323543.2); c.1233G>A, p.Trp411Ter (NM_001323544.2); short protein forms W220*, W405*, W411*.
Identifiers: ClinVar variation 1048347 (VCV001048347.3), dbSNP rs2142993793, ClinGen allele CA397097513.

ClinVar aggregate classification (germline): Likely pathogenic (1 of 4 stars; one submission).

Conditions:
Mucopolysaccharidosis, MPS-IV-A (MPS4A). Also called: Mucopolysaccharidosis type IV A; Mucopolysaccharidosis Type IVA; Morquio syndrome A, mild; MORQUIO SYNDROME A; MPS IVA; mucopolysaccharidosis type 4A. Identifiers: Orphanet 309297, Orphanet 582, MedGen C0086651, MONDO:0009659, OMIM 253000.

Submission:

Laboratory of Diagnosis and Therapy of Lysosomal Disorders, University of Padova
Classification: Likely pathogenic for Mucopolysaccharidosis, MPS-IV-A. Last evaluated: 2021-02-01. Review status: criteria provided, single submitter. Criteria: ACMG Guidelines, 2015. Collection method: curation. Allele origin: germline. Affected: yes.
Comment: Nonsense variant (PVS1_very strong); absent from gnomAD v2.1.1 (PM2_moderate)

Literature cited by the submitters: PubMed 23876334; PubMed 34387910.